The following is an entry in ClinVar:

NM_006269.2(RP1):c.2056C>T (p.Gln686Ter)

Gene: RP1 (RP1 axonemal microtubule associated; plus strand). Cytogenetic location: 8q12.1.
Variant type: single nucleotide variant.
Coding change: c.2056C>T on transcript NM_006269.2 (MANE Select); coding-DNA position 2056, C replaced by T.
Protein change: p.Gln686Ter; replaces glutamine 686 with a stop codon.
Molecular consequence: nonsense.
Genome position (GRCh38, 1-based): chr8:54,625,938, C>T. VCF-style: chr8-54625938-C-T. GRCh37 (hg19) VCF-style: chr8-55538498-C-T.
Other names: short protein forms Q686*.
Identifiers: ClinVar variation 437948 (VCV000437948.5), dbSNP rs1554519533, ClinGen allele CA370992631.

ClinVar aggregate classification (germline): Pathogenic. Review status: criteria provided, single submitter (1 of 4 stars). 2 submissions from 2 submitters: Pathogenic (1). 1 of the submissions does not count toward it. Last evaluated 2023-08-02.

Conditions:
Retinitis pigmentosa (RP). Identifiers: Orphanet 791, MedGen C0035334, MeSH D012174, MONDO:0019200, OMIM 268000. Inheritance: Autosomal dominant, autosomal recessive and X linked inheritance.

Submissions (2):

Labcorp Genetics (formerly Invitae), Labcorp
Classification: Pathogenic. Last evaluated: 2023-08-02. Review status: criteria provided, single submitter. Criteria: Invitae Variant Classification Sherloc (09022015). Collection method: clinical testing. Allele origin: germline.
Comment: This sequence change creates a premature translational stop signal (p.Gln686*) in the RP1 gene. While this is not anticipated to result in nonsense mediated decay, it is expected to disrupt the last 1471 amino acid(s) of the RP1 protein. This variant is not present in population databases (gnomAD no frequency). For these reasons, this variant has been classified as Pathogenic. This variant disrupts the C-terminus of the RP1 protein. Many variants that disrupt this region have been reported in individuals with either autosomal dominant or autosomal recessive retinitis pigmentosa (PMID: 11527933, 19933189, 29425069, 30027431, 33681214). Therefore, variants that disrupt this region are expected to be disease-causing. ClinVar contains an entry for this variant (Variation ID: 437948). This premature translational stop signal has been observed in individual(s) with autosomal dominant retinitis pigmentosa (PMID: 16597330).

NIHR Bioresource Rare Diseases, University of Cambridge
Classification: Pathogenic for Retinitis pigmentosa. Last evaluated: 2015-01-01. Review status: no assertion criteria provided. Collection method: research. Allele origin: unknown. Affected: yes. Observed: 1 variant allele. Not counted in ClinVar's aggregate classification.

Literature cited by the submitters: PubMed 11527933 (cited by Labcorp Genetics (formerly Invitae), Labcorp); PubMed 19933189 (cited by Labcorp Genetics (formerly Invitae), Labcorp); PubMed 29425069 (cited by Labcorp Genetics (formerly Invitae), Labcorp); PubMed 30027431 (cited by Labcorp Genetics (formerly Invitae), Labcorp); PubMed 33681214 (cited by Labcorp Genetics (formerly Invitae), Labcorp); PubMed 16597330 (cited by Labcorp Genetics (formerly Invitae), Labcorp and NIHR Bioresource Rare Diseases, University of Cambridge); PubMed 28041643 (cited by NIHR Bioresource Rare Diseases, University of Cambridge).